The following is an entry in ClinVar:

ClinVar aggregate classification (germline): Uncertain significance (1 of 4 stars; one submission).

Allele frequency attached by ClinVar (database versions not stated): gnomAD exomes below 0.00001.
gnomAD v4.1: 2 of 1,613,540 alleles (0.00012%); highest among the groups gnomAD compares: Non-Finnish European, 0.000085%; no homozygotes.

Submission:

Labcorp Genetics (formerly Invitae), Labcorp
Classification: Uncertain significance. Last evaluated: 2024-06-03. Review status: criteria provided, single submitter. Criteria: Invitae Variant Classification Sherloc (09022015). Collection method: clinical testing. Allele origin: germline.
Comment: This sequence change replaces glutamic acid, which is acidic and polar, with aspartic acid, which is acidic and polar, at codon 91 of the COQ9 protein (p.Glu91Asp). This variant is not present in population databases (gnomAD no frequency). This variant has not been reported in the literature in individuals affected with COQ9-related conditions. ClinVar contains an entry for this variant (Variation ID: 1718922). An algorithm developed to predict the effect of missense changes on protein structure and function (PolyPhen-2) suggests that this variant is likely to be tolerated. In summary, the available evidence is currently insufficient to determine the role of this variant in disease. Therefore, it has been classified as a Variant of Uncertain Significance.

NM_020312.4(COQ9):c.273G>C (p.Glu91Asp)

Gene: COQ9 (coenzyme Q9; plus strand). Cytogenetic location: 16q21.
Variant type: single nucleotide variant.
Coding change: c.273G>C on transcript NM_020312.4 (MANE Select); coding-DNA position 273, G replaced by C.
Protein change: p.Glu91Asp; replaces glutamic acid 91 with aspartic acid.
Molecular consequence: missense variant.
Genome position (GRCh38, 1-based): chr16:57,452,831, G>C. VCF-style: chr16-57452831-G-C. GRCh37 (hg19) VCF-style: chr16-57486743-G-C.
Other names: short protein forms E91D.
Identifiers: ClinVar variation 1718922 (VCV001718922.5), dbSNP rs1301403024, ClinGen allele CA396027014.
Genomic context (GRCh38, chr16:57,452,831, plus strand): 5'-AGTATGCTGGGCTGTGTCCTCTTGTCTCAGGTATACAGACCAGGGCGGCGAGGAGGAGGA[G>C]GACTATGAAAGTGAGGAGCAGTTGCAGCACCGCATCCTGACGGCAGCCCTTGAGTTTGTG-3'
Protein context (NP_064708.1, residues 81-101): RYTDQGGEEE[Glu91Asp]DYESEEQLQH